The following is an entry in ClinVar:

NM_024809.5(TCTN2):c.243G>A (p.Trp81Ter)

Gene: TCTN2 (tectonic family member 2; plus strand). Cytogenetic location: 12q24.31.
Variant type: single nucleotide variant.
Coding change: c.243G>A on transcript NM_024809.5 (MANE Select); coding-DNA position 243, G replaced by A.
Protein change: p.Trp81Ter; replaces tryptophan 81 with a stop codon.
Molecular consequence: nonsense.
Genome position (GRCh38, 1-based): chr12:123,672,108, G>A. VCF-style: chr12-123672108-G-A. GRCh37 (hg19) VCF-style: chr12-124156655-G-A.
Other names: c.243G>A, p.Trp81Ter (NM_001143850.3, NM_001410989.1); short protein forms W81*.
Identifiers: ClinVar variation 5019487 (VCV005019487.2).

ClinVar aggregate classification (germline): Likely pathogenic (1 of 4 stars; one submission).

Conditions:
Meckel syndrome, type 8. Identifiers: Orphanet 564, MedGen C3836857, MONDO:0013482, OMIM 613885.
Joubert syndrome 24 (JBTS24). Identifiers: Orphanet 475, MedGen C4084841, MONDO:0014724, OMIM 616654.

Submission:

Juno Genomics, Hangzhou Juno Genomics, Inc
Classification: Likely pathogenic for Meckel syndrome, type 8; Joubert syndrome 24. Review status: criteria provided, single submitter. Criteria: ACMG Guidelines, 2015. Collection method: clinical testing. Allele origin: germline.
Comment: Absent from controls (or at extremely low frequency if recessive) in Genome Aggregation Database.;Null variant in a gene where loss of function (LOF) is a known mechanism of disease.